The following is an entry in ClinVar:

ClinVar aggregate classification (germline): Uncertain significance (1 of 4 stars; one submission).

Allele frequency attached by ClinVar (database versions not stated): gnomAD 0.00001; TOPMed 0.00001.
gnomAD v4.1: 1 of 1,613,868 alleles (0.000062%); highest among the groups gnomAD compares: African/African-American, 0.0013%; no homozygotes.

Submission:

Labcorp Genetics (formerly Invitae), Labcorp
Classification: Uncertain significance. Last evaluated: 2022-06-07. Review status: criteria provided, single submitter. Criteria: Invitae Variant Classification Sherloc (09022015). Collection method: clinical testing. Allele origin: germline.
Comment: This sequence change replaces serine, which is neutral and polar, with arginine, which is basic and polar, at codon 136 of the DYNC2LI1 protein (p.Ser136Arg). In summary, the available evidence is currently insufficient to determine the role of this variant in disease. Therefore, it has been classified as a Variant of Uncertain Significance. Algorithms developed to predict the effect of missense changes on protein structure and function (SIFT, PolyPhen-2, Align-GVGD) all suggest that this variant is likely to be tolerated. This variant has not been reported in the literature in individuals affected with DYNC2LI1-related conditions. This variant is not present in population databases (gnomAD no frequency).

NM_016008.4(DYNC2LI1):c.408C>G (p.Ser136Arg)

Gene: DYNC2LI1 (dynein cytoplasmic 2 light intermediate chain 1; plus strand). Cytogenetic location: 2p21.
Variant type: single nucleotide variant.
Coding change: c.408C>G on transcript NM_016008.4 (MANE Select); coding-DNA position 408, C replaced by G.
Protein change: p.Ser136Arg; replaces serine 136 with arginine.
Molecular consequence: missense variant.
Genome position (GRCh38, 1-based): chr2:43,794,544, C>G. VCF-style: chr2-43794544-C-G. GRCh37 (hg19) VCF-style: chr2-44021683-C-G.
Other names: c.408C>G, p.Ser136Arg (NM_001193464.2, NM_001348912.2, NM_001348913.2 and 1 more transcripts); short protein forms S136R.
Identifiers: ClinVar variation 2002900 (VCV002002900.4), dbSNP rs1363348754, ClinGen allele CA346657374.